The following is an entry in ClinVar:

NM_014845.6(FIG4):c.2192A>G (p.Asn731Ser)

Gene: FIG4 (FIG4 phosphoinositide 5-phosphatase; plus strand). Cytogenetic location: 6q21.
Variant type: single nucleotide variant.
Coding change: c.2192A>G on transcript NM_014845.6 (MANE Select); coding-DNA position 2192, A replaced by G.
Protein change: p.Asn731Ser; replaces asparagine 731 with serine.
Molecular consequence: missense variant.
Genome position (GRCh38, 1-based): chr6:109,791,387, A>G. VCF-style: chr6-109791387-A-G. GRCh37 (hg19) VCF-style: chr6-110112590-A-G.
Other names: short protein forms N731S.
Identifiers: ClinVar variation 543377 (VCV000543377.8), dbSNP rs1467094847, ClinGen allele CA365215806.
Genomic context (GRCh38, chr6:109,791,387, plus strand): 5'-TTGAGGGTTAGTTTAAAGATGCTTCACTTCCATATTATTCTTTTAAAAGAAACAAAAGCA[A>G]TAGAGAAGAAGCTGTATTACAGCGGAAAACGGCAGCCAGCGCCCCGCCGCCCCCCAGCGA-3'
Protein context (NP_055660.1, residues 721-741): TGKSVLGNKS[Asn731Ser]REEAVLQRKT

ClinVar aggregate classification (germline): Uncertain significance (1 of 4 stars; one submission).

Conditions:
Charcot-Marie-Tooth disease type 4. Also called: Charcot-Marie-Tooth, Type 4; Charcot-Marie-Tooth disease, type IV. Identifiers: Orphanet 64749, MedGen C4082197, MONDO:0018995.

Allele frequency attached by ClinVar (database versions not stated): gnomAD exomes below 0.00001.
gnomAD v4.1: 2 of 1,612,892 alleles (0.00012%); highest among the groups gnomAD compares: South Asian, 0.0011%; no homozygotes.

Submission:

Labcorp Genetics (formerly Invitae), Labcorp
Classification: Uncertain significance for Charcot-Marie-Tooth disease type 4. Last evaluated: 2021-11-24. Review status: criteria provided, single submitter. Criteria: Invitae Variant Classification Sherloc (09022015). Collection method: clinical testing. Allele origin: germline.
Comment: In summary, the available evidence is currently insufficient to determine the role of this variant in disease. Therefore, it has been classified as a Variant of Uncertain Significance. Algorithms developed to predict the effect of missense changes on protein structure and function (SIFT, PolyPhen-2, Align-GVGD) all suggest that this variant is likely to be tolerated. ClinVar contains an entry for this variant (Variation ID: 543377). This variant has not been reported in the literature in individuals affected with FIG4-related conditions. This variant is not present in population databases (gnomAD no frequency). This sequence change replaces asparagine, which is neutral and polar, with serine, which is neutral and polar, at codon 731 of the FIG4 protein (p.Asn731Ser).